The following is an entry in ClinVar:

ClinVar aggregate classification (germline): Uncertain significance (1 of 4 stars; one submission).

Conditions:
Diffuse cerebral and cerebellar atrophy - intractable seizures - progressive microcephaly syndrome. Also called: Microcephaly, progressive, with seizures and cerebral and cerebellar atrophy. Identifiers: Orphanet 404437, MedGen C4014239, MONDO:0014335, OMIM 615760.

Submission:

Labcorp Genetics (formerly Invitae), Labcorp
Classification: Uncertain significance for Diffuse cerebral and cerebellar atrophy - intractable seizures - progressive microcephaly syndrome. Last evaluated: 2024-10-23. Review status: criteria provided, single submitter. Criteria: Invitae Variant Classification Sherloc (09022015). Collection method: clinical testing. Allele origin: germline.
Comment: This sequence change replaces arginine, which is basic and polar, with leucine, which is neutral and non-polar, at codon 538 of the QARS protein (p.Arg538Leu). This variant is not present in population databases (gnomAD no frequency). This variant has not been reported in the literature in individuals affected with QARS-related conditions. ClinVar contains an entry for this variant (Variation ID: 2000556). An algorithm developed to predict the effect of missense changes on protein structure and function (PolyPhen-2) suggests that this variant is likely to be disruptive. In summary, the available evidence is currently insufficient to determine the role of this variant in disease. Therefore, it has been classified as a Variant of Uncertain Significance.

NM_005051.3(QARS1):c.1613G>T (p.Arg538Leu)

Gene: QARS1 (glutaminyl-tRNA synthetase 1; minus strand). Cytogenetic location: 3p21.31.
Variant type: single nucleotide variant.
Coding change: c.1613G>T on transcript NM_005051.3 (MANE Select); coding-DNA position 1613, G replaced by T.
Protein change: p.Arg538Leu; replaces arginine 538 with leucine.
Molecular consequence: missense variant. On other transcripts: non-coding transcript variant (1).
Genome position (GRCh38, 1-based): chr3:49,099,345, C>A on the plus strand (G>T on the coding strand, the complement: QARS1 is on the minus strand). VCF-style: chr3-49099345-C-A. GRCh37 (hg19) VCF-style: chr3-49136778-C-A.
Other names: c.1580G>T, p.Arg527Leu (NM_001272073.2); short protein forms R538L, R527L.
Identifiers: ClinVar variation 2000556 (VCV002000556.4), dbSNP rs778807845, ClinGen allele CA352704540.